The following is an entry in ClinVar:

ClinVar aggregate classification (germline): Uncertain significance (1 of 4 stars; one submission).

Conditions:
Autosomal dominant nocturnal frontal lobe epilepsy 5. Also called: KCNT1-Related Epilepsy; CILIARY DYSKINESIA, PRIMARY, 28, WITHOUT SITUS INVERSUS; CILIARY DYSKINESIA, PRIMARY, 28, WITH SITUS INVERSUS; Epilepsy, nocturnal frontal lobe, 5. Identifiers: Orphanet 98784, MedGen C3554306, MONDO:0014002, OMIM 615005.
Developmental and epileptic encephalopathy, 14 (DEE14). Also called: Early infantile epileptic encephalopathy 14. Identifiers: Orphanet 293181, MedGen C3554195, MONDO:0013989, OMIM 614959.

Submission:

Labcorp Genetics (formerly Invitae), Labcorp
Classification: Uncertain significance for Autosomal dominant nocturnal frontal lobe epilepsy 5; Developmental and epileptic encephalopathy, 14. Last evaluated: 2024-06-18. Review status: criteria provided, single submitter. Criteria: Invitae Variant Classification Sherloc (09022015). Collection method: clinical testing. Allele origin: germline.
Comment: This sequence change creates a premature translational stop signal (p.Leu723Argfs*10) in the KCNT1 gene. It is expected to result in an absent or disrupted protein product. However, the current clinical and genetic evidence is not sufficient to establish whether loss-of-function variants in KCNT1 cause disease. This variant is not present in population databases (gnomAD no frequency). This variant has not been reported in the literature in individuals affected with KCNT1-related conditions. In summary, the available evidence is currently insufficient to determine the role of this variant in disease. Therefore, it has been classified as a Variant of Uncertain Significance.

NM_020822.3(KCNT1):c.2168_2175del (p.Leu723fs)

Gene: KCNT1 (potassium sodium-activated channel subfamily T member 1; plus strand). Cytogenetic location: 9q34.3.
Variant type: Deletion.
Coding change: c.2168_2175del on transcript NM_020822.3 (MANE Select); coding-DNA positions 2168 to 2175, 8 bases deleted (TGCCCTGC; older notation c.2168_2175delTGCCCTGC).
Protein change: p.Leu723fs; shifts the reading frame from leucine 723.
Molecular consequence: frameshift variant.
Genome position (GRCh38, 1-based): chr9:135,772,874-135,772,881, TGCCCTGC deleted; deleting any 8 consecutive bases within chr9:135,772,867-135,772,881 gives the same sequence; the c. name uses the placement nearest the transcript's 3' end. VCF-style (leftmost placement, unchanged base first): chr9-135772866-AGCCCTGCT-A. GRCh37 (hg19) VCF-style: chr9-138664712-AGCCCTGCT-A.
Other names: c.2033_2040del, p.Leu678fs (NM_001272003.2); short protein forms L678fs, L723fs.
Identifiers: ClinVar variation 3756864 (VCV003756864.2).